The following is an entry in ClinVar:

ClinVar aggregate classification (germline): Uncertain significance. Review status: criteria provided, multiple submitters, no conflicts (2 of 4 stars). 2 submissions from 2 submitters: Uncertain significance (2). Last evaluated 2026-03-10.

Conditions:
Hereditary cancer-predisposing syndrome. Also called: Hereditary neoplastic syndrome; Neoplastic Syndromes, Hereditary; Tumor predisposition; Hereditary Cancer Syndrome. Identifiers: Orphanet 140162, MedGen C0027672, MeSH D009386, MONDO:0015356.
Tumor predisposition syndrome 3 (TPDS3). Also called: Melanoma, cutaneous malignant, susceptibility to, 10; Glioma susceptibility 9; LONG TELOMERE SYNDROME, POT1-RELATED; POT1 Tumor Predisposition. Identifiers: Orphanet 618, MedGen C4014476, MONDO:0014368, OMIM 615848.

Allele frequency attached by ClinVar (database versions not stated): TOPMed below 0.00001; gnomAD 0.00001; gnomAD exomes below 0.00001.
gnomAD v4.1: 2 of 1,589,542 alleles (0.00013%); highest among the groups gnomAD compares: Non-Finnish European, 0.00017%; no homozygotes.

Submissions (2):

Ambry Genetics
Classification: Uncertain significance for Hereditary cancer-predisposing syndrome. Last evaluated: 2026-03-10. Review status: criteria provided, single submitter. Criteria: Ambry Variant Classification Scheme 2023. Collection method: clinical testing. Allele origin: germline.
Comment: The p.V46A variant (also known as c.137T>C), located in coding exon 3 of the POT1 gene, results from a T to C substitution at nucleotide position 137. The valine at codon 46 is replaced by alanine, an amino acid with similar properties. This amino acid position is conserved. In addition, this alteration is predicted to be tolerated by in silico analysis. Based on the available evidence, the clinical significance of this variant remains unclear.

Labcorp Genetics (formerly Invitae), Labcorp
Classification: Uncertain significance for Tumor predisposition syndrome 3. Last evaluated: 2023-06-23. Review status: criteria provided, single submitter. Criteria: Invitae Variant Classification Sherloc (09022015). Collection method: clinical testing. Allele origin: germline.
Comment: Advanced modeling of protein sequence and biophysical properties (such as structural, functional, and spatial information, amino acid conservation, physicochemical variation, residue mobility, and thermodynamic stability) performed at Invitae indicates that this missense variant is not expected to disrupt POT1 protein function. This sequence change replaces valine, which is neutral and non-polar, with alanine, which is neutral and non-polar, at codon 46 of the POT1 protein (p.Val46Ala). This variant is not present in population databases (gnomAD no frequency). This variant has not been reported in the literature in individuals affected with POT1-related conditions. In summary, the available evidence is currently insufficient to determine the role of this variant in disease. Therefore, it has been classified as a Variant of Uncertain Significance.

NM_015450.3(POT1):c.137T>C (p.Val46Ala)

Gene: POT1 (protection of telomeres 1; minus strand). Cytogenetic location: 7q31.33.
Variant type: single nucleotide variant.
Coding change: c.137T>C on transcript NM_015450.3 (MANE Select); coding-DNA position 137, T replaced by C.
Protein change: p.Val46Ala; replaces valine 46 with alanine.
Molecular consequence: missense variant. On other transcripts: non-coding transcript variant (3), intron variant (1).
Genome position (GRCh38, 1-based): chr7:124,871,029, A>G on the plus strand (T>C on the coding strand, the complement: POT1 is on the minus strand). VCF-style: chr7-124871029-A-G. GRCh37 (hg19) VCF-style: chr7-124511083-A-G.
Other names: c.-138-7389T>C (NM_001042594.2); c.137T>C (NM_015450.2); short protein forms V46A.
Identifiers: ClinVar variation 2906320 (VCV002906320.4), dbSNP rs1795855729, ClinGen allele CA369061698.